The following is an entry in ClinVar:

ClinVar aggregate classification (germline): Uncertain significance (1 of 4 stars; one submission).

Submission:

GeneDx
Classification: Uncertain significance. Last evaluated: 2022-12-29. Review status: criteria provided, single submitter. Criteria: GeneDx Variant Classification Process June 2021. Collection method: clinical testing. Allele origin: germline. Affected: yes.
Comment: Not observed at significant frequency in large population cohorts (gnomAD); In silico analysis supports that this missense variant has a deleterious effect on protein structure/function; Has not been previously published as pathogenic or benign to our knowledge

NM_005618.4(DLL1):c.821G>C (p.Cys274Ser)

Gene: DLL1 (delta like canonical Notch ligand 1; minus strand). Cytogenetic location: 6q27.
Variant type: single nucleotide variant.
Coding change: c.821G>C on transcript NM_005618.4 (MANE Select); coding-DNA position 821, G replaced by C.
Protein change: p.Cys274Ser; replaces cysteine 274 with serine.
Molecular consequence: missense variant.
Genome position (GRCh38, 1-based): chr6:170,285,610, C>G on the plus strand (G>C on the coding strand, the complement: DLL1 is on the minus strand). VCF-style: chr6-170285610-C-G. GRCh37 (hg19) VCF-style: chr6-170594698-C-G.
Other names: short protein forms C274S.
Identifiers: ClinVar variation 2507312 (VCV002507312.1), dbSNP rs2483352463, ClinGen allele CA366508676.
Genomic context (GRCh38, chr6:170,285,610, plus strand): 5'-TCAGGGAGAGAAGGCTTACCCTGGTTGCAGAAAAGGCCCCCCCAGCCTTCCTGGCAGTTG[C>G]ACTGCCAGGGCTGCTGGCAGGTGCCATGGAGACAGCCTGGATAGCGGATACACTCGTCAC-3'
Protein context (NP_005609.3, residues 264-284): LHGTCQQPWQ[Cys274Ser]NCQEGWGGLF